The following is an entry in ClinVar:

NM_139276.3(STAT3):c.1418C>T (p.Ala473Val)

Gene: STAT3 (signal transducer and activator of transcription 3; minus strand). Cytogenetic location: 17q21.2.
Variant type: single nucleotide variant.
Coding change: c.1418C>T on transcript NM_139276.3 (MANE Select); coding-DNA position 1418, C replaced by T.
Protein change: p.Ala473Val; replaces alanine 473 with valine.
Molecular consequence: missense variant.
Genome position (GRCh38, 1-based): chr17:42,325,009, G>A on the plus strand (C>T on the coding strand, the complement: STAT3 is on the minus strand). VCF-style: chr17-42325009-G-A. GRCh37 (hg19) VCF-style: chr17-40477027-G-A.
Other names: c.1418C>T, p.Ala473Val (NM_001369512.1, NM_001369513.1, NM_001369514.1 and 11 more transcripts); c.1334C>T, p.Ala445Val (NM_001384984.1); c.1340C>T, p.Ala447Val (NM_001384985.1); c.1433C>T, p.Ala478Val (NM_001384986.1, NM_001384990.1); c.1322C>T, p.Ala441Val (NM_001384989.1); c.1358C>T, p.Ala453Val (NM_001384992.1); short protein forms A441V, A445V, A447V, A453V, A473V, A478V.
Identifiers: ClinVar variation 4536256 (VCV004536256.2).

ClinVar aggregate classification (germline): Conflicting classifications of pathogenicity. Review status: criteria provided, conflicting classifications (1 of 4 stars). 2 submissions from 2 submitters: Likely pathogenic (1); Uncertain significance (1). Last evaluated 2025-06-04.

Submissions (2):

GeneDx
Classification: Likely pathogenic. Last evaluated: 2025-06-04. Review status: criteria provided, single submitter. Criteria: GeneDx Variant Classification Process June 2021. Collection method: clinical testing. Allele origin: germline. Affected: yes.
Comment: Not observed at significant frequency in large population cohorts (gnomAD); In silico analysis supports that this missense variant has a deleterious effect on protein structure/function; This variant is associated with the following publications: (PMID: 18602572, 34022014)

Blueprint Genetics
Classification: Uncertain significance. Last evaluated: 2020-08-17. Review status: criteria provided, single submitter. Criteria: ACMG Guidelines, 2015. Collection method: clinical testing. Allele origin: germline.